The following is an entry in ClinVar:

NM_000392.5(ABCC2):c.4403A>T (p.Asp1468Val)

Gene: ABCC2 (ATP binding cassette subfamily C member 2; plus strand). Cytogenetic location: 10q24.2.
Variant type: single nucleotide variant.
Coding change: c.4403A>T on transcript NM_000392.5 (MANE Select); coding-DNA position 4403, A replaced by T.
Protein change: p.Asp1468Val; replaces aspartic acid 1468 with valine.
Molecular consequence: missense variant.
Genome position (GRCh38, 1-based): chr10:99,850,691, A>T. VCF-style: chr10-99850691-A-T. GRCh37 (hg19) VCF-style: chr10-101610448-A-T.
Other names: short protein forms D1468V.
Identifiers: ClinVar variation 3354316 (VCV003354316.1).

ClinVar aggregate classification (germline): Uncertain significance (0 of 4 stars; one submission).

Conditions:
ABCC2-related disorder. Also called: ABCC2-related condition.

gnomAD v4.1: 2 of 1,614,088 alleles (0.00012%); highest among the groups gnomAD compares: African/African-American, 0.0027%; no homozygotes.

Submission:

PreventionGenetics, part of Exact Sciences
Classification: Uncertain significance for ABCC2-related condition. Last evaluated: 2024-03-23. Review status: no assertion criteria provided. Collection method: clinical testing. Allele origin: germline.
Comment: The ABCC2 c.4403A>T variant is predicted to result in the amino acid substitution p.Asp1468Val. This variant was reported in a large cohort of individuals with hypoalphalipoproteinaemia (Dong et al. 2022. PubMed ID: 35460704, supplementary data). This variant has not been reported in a large population database, indicating this variant is rare. At this time, the clinical significance of this variant is uncertain due to the absence of conclusive functional and genetic evidence.